The following is an entry in ClinVar:

ClinVar aggregate classification (germline): Pathogenic. Review status: criteria provided, multiple submitters, no conflicts (2 of 4 stars). 2 submissions from 2 submitters: Pathogenic (2). Last evaluated 2026-09-08.

Conditions:
Fabry disease. Also called: Angiokeratoma corporis diffusum; Ceramide trihexosidosis; Fabry's disease; ALPHA-GALACTOSIDASE A DEFICIENCY; ANDERSON-FABRY DISEASE; CERAMIDE TRIHEXOSIDASE DEFICIENCY. Identifiers: Orphanet 324, MedGen C0002986, MONDO:0010526, OMIM 301500, HP:0001071. Disease mechanism: loss of function, Fabry disease is due to inactivating mutations in the X-linked GLA gene resulting in deficiency of the enzyme Alpha Galactosidase-A..

Submissions (2):

Genomenon, Inc
Classification: Pathogenic for Fabry disease. Last evaluated: 2026-09-08. Review status: criteria provided, single submitter. Criteria: Genomenon Sequence Variant Interpretation Standards - Updated. Collection method: curation. Allele origin: germline. Affected: yes.
Comment: GLA p.Glu103Ter (c.307G>T) is a nonsense variant that introduces a premature stop codon at amino acid position 103 and is predicted to result in a truncated or absent protein product. This variant has been observed in at least one proband with clinical features consistent with Fabry disease (PMID:30972193;16148726). At least one functional study has demonstrated a substantial alteration in protein function relative to the wild-type (PMID:23935525). It is absent or not present at a significant frequency in gnomAD. In conclusion, we classify GLA p.Glu103Ter (c.307G>T) as a pathogenic variant.

Women's Health and Genetics/Laboratory Corporation of America, LabCorp
Classification: Pathogenic for Fabry disease. Last evaluated: 2018-10-09. Review status: criteria provided, single submitter. Criteria: LabCorp Variant Classification Summary - May 2015. Collection method: clinical testing. Allele origin: germline.
Comment: Variant summary: GLA c.307G>T (p.Glu103X) results in a premature termination codon, predicted to cause a truncation of the encoded protein or absence of the protein due to nonsense mediated decay, which are commonly known mechanisms for disease. Truncations downstream of this position have been classified as pathogenic by our laboratory (eg. p.Trp162X, p.Arg220X, p.Arg227X). The variant was absent in 178768 control chromosomes. c.307G>T has been reported in the literature in an individual affected with Fabry Disease and functional assays show the variant to have an enzyme activity of 0% compared to WT (Lukas_2013). No clinical diagnostic laboratories have submitted clinical-significance assessments for this variant to ClinVar after 2014. Based on the evidence outlined above, the variant was classified as pathogenic.

Literature cited by the submitters: PubMed 30972193 (cited by Genomenon, Inc); PubMed 16148726 (cited by Genomenon, Inc); PubMed 23935525 (cited by Genomenon, Inc and Women's Health and Genetics/Laboratory Corporation of America, LabCorp).

NM_000169.3(GLA):c.307G>T (p.Glu103Ter)

Genes: GLA (galactosidase alpha; minus strand), RPL36A-HNRNPH2 (RPL36A-HNRNPH2 readthrough; plus strand). Cytogenetic location: Xq22.1.
Variant type: single nucleotide variant.
Coding change: c.307G>T on transcript NM_000169.3 (MANE Select); coding-DNA position 307, G replaced by T.
Protein change: p.Glu103Ter; replaces glutamic acid 103 with a stop codon.
Molecular consequence: nonsense. On other transcripts: non-coding transcript variant (3), intron variant (2).
Genome position (GRCh38, 1-based): chrX:101,403,873, C>A on the plus strand (G>T on the coding strand, the complement: GLA is on the minus strand). VCF-style: chrX-101403873-C-A. GRCh37 (hg19) VCF-style: chrX-100658861-C-A.
Other names: c.430G>T, p.Glu144Ter (NM_001406747.1, NM_001406749.1); c.307G>T, p.Glu103Ter (NM_001406748.1); c.301-8063C>A (NM_001199973.2); c.178-8063C>A (NM_001199974.2); short protein forms E103*, E144*.
Identifiers: ClinVar variation 633250 (VCV000633250.3), dbSNP rs1569304851, ClinGen allele CA413933417.
Genomic context (GRCh38, chrX:101,403,873, plus strand): 5'-AATTAGCTAGCTGGCGAATCCCATGAGGAAAGCGCTGAGGGTCTGCCTGAAGTCTGCCTT[C>A]TGAATCTCTTTGGGGAGCCATCCAACAGTCATCAATGCAGAGGTACTCATAACCTGCATC-3'